The following is an entry in ClinVar:

NM_016034.5(MRPS2):c.634G>A (p.Ala212Thr)

Genes: MRPS2 (mitochondrial ribosomal protein S2; plus strand), LOC101928525 (uncharacterized LOC101928525; minus strand). Cytogenetic location: 9q34.3.
Variant type: single nucleotide variant.
Coding change: c.634G>A on transcript NM_016034.5 (MANE Select); coding-DNA position 634, G replaced by A.
Protein change: p.Ala212Thr; replaces alanine 212 with threonine.
Molecular consequence: missense variant. On other transcripts: non-coding transcript variant (4).
Genome position (GRCh38, 1-based): chr9:135,503,876, G>A. VCF-style: chr9-135503876-G-A. GRCh37 (hg19) VCF-style: chr9-138395722-G-A.
Other names: c.634G>A, p.Ala212Thr (NM_001371401.1); short protein forms A212T.
Identifiers: ClinVar variation 1934926 (VCV001934926.4), dbSNP rs1464320552, ClinGen allele CA375485085.

ClinVar aggregate classification (germline): Uncertain significance (1 of 4 stars; one submission).

Allele frequency attached by ClinVar (database versions not stated): gnomAD 0.00001; gnomAD exomes 0.00001.
gnomAD v4.1: 20 of 1,613,838 alleles (0.0012%); highest among the groups gnomAD compares: African/African-American, 0.0027%; no homozygotes.

Submission:

Labcorp Genetics (formerly Invitae), Labcorp
Classification: Uncertain significance. Last evaluated: 2022-10-13. Review status: criteria provided, single submitter. Criteria: Invitae Variant Classification Sherloc (09022015). Collection method: clinical testing. Allele origin: germline.
Comment: This variant has not been reported in the literature in individuals affected with MRPS2-related conditions. This variant is present in population databases (no rsID available, gnomAD 0.004%). This sequence change replaces alanine, which is neutral and non-polar, with threonine, which is neutral and polar, at codon 212 of the MRPS2 protein (p.Ala212Thr). Advanced modeling of protein sequence and biophysical properties (such as structural, functional, and spatial information, amino acid conservation, physicochemical variation, residue mobility, and thermodynamic stability) performed at Invitae indicates that this missense variant is not expected to disrupt MRPS2 protein function. In summary, the available evidence is currently insufficient to determine the role of this variant in disease. Therefore, it has been classified as a Variant of Uncertain Significance.